The following is an entry in ClinVar:

NM_014704.4(CEP104):c.2755A>G (p.Ser919Gly)

Gene: CEP104 (centrosomal protein 104; minus strand). Cytogenetic location: 1p36.32.
Variant type: single nucleotide variant.
Coding change: c.2755A>G on transcript NM_014704.4 (MANE Select); coding-DNA position 2755, A replaced by G.
Protein change: p.Ser919Gly; replaces serine 919 with glycine.
Molecular consequence: missense variant.
Genome position (GRCh38, 1-based): chr1:3,815,425, T>C on the plus strand (A>G on the coding strand, the complement: CEP104 is on the minus strand). VCF-style: chr1-3815425-T-C. GRCh37 (hg19) VCF-style: chr1-3731989-T-C.
Other names: c.2755A>G (NM_014704.3); short protein forms S919G.
Identifiers: ClinVar variation 1144327 (VCV001144327.11), dbSNP rs755406055, ClinGen allele CA551169.

ClinVar aggregate classification (germline): Conflicting classifications of pathogenicity. Review status: criteria provided, conflicting classifications (1 of 4 stars). 3 submissions from 3 submitters: Uncertain significance (1); Benign (1); Likely benign (1). Last evaluated 2025-08-01.

Conditions:
Joubert syndrome 25 (JBTS25). Identifiers: Orphanet 475, MedGen C4084842, MONDO:0014770, OMIM 616781.

Allele frequency attached by ClinVar (database versions not stated): gnomAD 0.00004; gnomAD exomes 0.00014 and 0.00033; TOPMed 0.00018; ExAC 0.00022.
gnomAD v4.1: 90 of 1,612,982 alleles (0.0056%); highest among the groups gnomAD compares: Admixed American, 0.15%; no homozygotes.

Submissions (3):

Labcorp Genetics (formerly Invitae), Labcorp
Classification: Likely benign for Joubert syndrome 25. Last evaluated: 2025-08-01. Review status: criteria provided, single submitter. Criteria: Invitae Variant Classification Sherloc (09022015). Collection method: clinical testing. Allele origin: germline.

GeneDx
Classification: Uncertain significance. Last evaluated: 2024-08-19. Review status: criteria provided, single submitter. Criteria: GeneDx Variant Classification Process June 2021. Collection method: clinical testing. Allele origin: germline. Affected: yes.
Comment: In silico analysis indicates that this missense variant does not alter protein structure/function; Has not been previously published as pathogenic or benign to our knowledge

Blueprint Genetics
Classification: Benign. Last evaluated: 2022-05-03. Review status: criteria provided, single submitter. Criteria: ACMG Guidelines, 2015. Collection method: clinical testing. Allele origin: germline.